The following is an entry in ClinVar:

NM_000057.4(BLM):c.624G>C (p.Leu208Phe)

Gene: BLM (BLM RecQ like helicase; plus strand). Cytogenetic location: 15q26.1.
Variant type: single nucleotide variant.
Coding change: c.624G>C on transcript NM_000057.4 (MANE Select); coding-DNA position 624, G replaced by C.
Protein change: p.Leu208Phe; replaces leucine 208 with phenylalanine.
Molecular consequence: missense variant. On other transcripts: 5 prime UTR variant (1).
Genome position (GRCh38, 1-based): chr15:90,749,892, G>C. VCF-style: chr15-90749892-G-C. GRCh37 (hg19) VCF-style: chr15-91293122-G-C.
Other names: c.624G>C, p.Leu208Phe (NM_001287246.2, NM_001287247.2); c.-668G>C (NM_001287248.2); short protein forms L208F.
Identifiers: ClinVar variation 4719721 (VCV004719721.1).

ClinVar aggregate classification (germline): Uncertain significance (1 of 4 stars; one submission).

Conditions:
Bloom syndrome (BLM). Also called: Bloom-Torre-Machacek syndrome. Identifiers: Orphanet 125, MedGen C0005859, MONDO:0008876, OMIM 210900.

Submission:

Labcorp Genetics (formerly Invitae), Labcorp
Classification: Uncertain significance for Bloom syndrome. Last evaluated: 2025-05-18. Review status: criteria provided, single submitter. Criteria: Invitae Variant Classification Sherloc (09022015). Collection method: clinical testing. Allele origin: germline.
Comment: This sequence change replaces leucine, which is neutral and non-polar, with phenylalanine, which is neutral and non-polar, at codon 208 of the BLM protein (p.Leu208Phe). This variant is not present in population databases (gnomAD no frequency). This variant has not been reported in the literature in individuals affected with BLM-related conditions. An algorithm developed to predict the effect of missense changes on protein structure and function (PolyPhen-2) suggests that this variant is likely to be tolerated. In summary, the available evidence is currently insufficient to determine the role of this variant in disease. Therefore, it has been classified as a Variant of Uncertain Significance.